The following is an entry in ClinVar:

ClinVar aggregate classification (germline): Uncertain significance (1 of 4 stars; one submission).

Submission:

Ambry Genetics
Classification: Uncertain significance. Last evaluated: 2025-12-15. Review status: criteria provided, single submitter. Criteria: Ambry Variant Classification Scheme 2023. Collection method: clinical testing. Allele origin: germline.
Comment: The p.Y2052H variant (also known as c.6154T>C), located in coding exon 25 of the WNK2 gene, results from a T to C substitution at nucleotide position 6154. The tyrosine at codon 2052 is replaced by histidine, an amino acid with similar properties. This amino acid position is conserved. In addition, the in silico prediction for this alteration is inconclusive. Based on the available evidence, the clinical significance of this variant remains unclear.

NM_006648.4(WNK2):c.6154T>C (p.Tyr2052His)

Gene: WNK2 (WNK lysine deficient protein kinase 2; plus strand). Cytogenetic location: 9q22.31.
Variant type: single nucleotide variant.
Coding change: c.6154T>C on transcript NM_006648.4 (MANE Select); coding-DNA position 6154, T replaced by C.
Protein change: p.Tyr2052His; replaces tyrosine 2052 with histidine.
Molecular consequence: missense variant.
Genome position (GRCh38, 1-based): chr9:93,300,089, T>C. VCF-style: chr9-93300089-T-C. GRCh37 (hg19) VCF-style: chr9-96062371-T-C.
Other names: c.6265T>C, p.Tyr2089His (NM_001282394.3); short protein forms Y2089H, Y2052H.
Identifiers: ClinVar variation 4842067 (VCV004842067.1).